The following is an entry in ClinVar:

ClinVar aggregate classification (germline): Uncertain significance. Review status: criteria provided, multiple submitters, no conflicts (2 of 4 stars). 4 submissions from 4 submitters: Uncertain significance (4). Last evaluated 2024-12-13.

Conditions:
Inborn genetic diseases. Identifiers: MedGen C0950123, MeSH D030342.
Chédiak-Higashi syndrome (CHS). Also called: Chediak-Higashi Syndrome. Identifiers: Orphanet 167, MedGen C0007965, MONDO:0008963, OMIM 214500.

Allele frequency attached by ClinVar (database versions not stated): gnomAD exomes below 0.00001; gnomAD 0.00013; TOPMed 0.00024.
gnomAD v4.1: 29 of 1,495,062 alleles (0.0019%); highest among the groups gnomAD compares: Admixed American, 0.041%; no homozygotes.

Submissions (4):

Mayo Clinic Laboratories, Mayo Clinic
Classification: Uncertain significance. Last evaluated: 2024-12-13. Review status: criteria provided, single submitter. Criteria: ACMG Guidelines, 2015. Collection method: clinical testing. Allele origin: germline. Observed: 1 variant allele.
Comment: PM1_supporting, PM2_supporting

Ambry Genetics
Classification: Uncertain significance for Inborn genetic diseases. Last evaluated: 2023-11-14. Review status: criteria provided, single submitter. Criteria: Ambry Variant Classification Scheme 2023. Collection method: clinical testing. Allele origin: germline.

Labcorp Genetics (formerly Invitae), Labcorp
Classification: Uncertain significance for Chédiak-Higashi syndrome. Last evaluated: 2022-08-31. Review status: criteria provided, single submitter. Criteria: Invitae Variant Classification Sherloc (09022015). Collection method: clinical testing. Allele origin: germline.
Comment: This sequence change replaces proline, which is neutral and non-polar, with alanine, which is neutral and non-polar, at codon 1370 of the LYST protein (p.Pro1370Ala). This variant is present in population databases (no rsID available, gnomAD 0.003%). This variant has not been reported in the literature in individuals affected with LYST-related conditions. ClinVar contains an entry for this variant (Variation ID: 574882). Algorithms developed to predict the effect of missense changes on protein structure and function are either unavailable or do not agree on the potential impact of this missense change (SIFT: "Tolerated"; PolyPhen-2: "Probably Damaging"; Align-GVGD: "Class C0"). In summary, the available evidence is currently insufficient to determine the role of this variant in disease. Therefore, it has been classified as a Variant of Uncertain Significance.

Revvity Omics, Revvity
Classification: Uncertain significance for Chédiak-Higashi syndrome. Last evaluated: 2019-04-03. Review status: criteria provided, single submitter. Criteria: ACMG Guidelines, 2015. Collection method: clinical testing. Allele origin: germline.

Literature cited by the submitters: PubMed 33424983 (cited by Mayo Clinic Laboratories, Mayo Clinic); PubMed 37254856 (cited by Mayo Clinic Laboratories, Mayo Clinic).

NM_000081.4(LYST):c.4108C>G (p.Pro1370Ala)

Gene: LYST (lysosomal trafficking regulator; minus strand). Cytogenetic location: 1q42.3.
Variant type: single nucleotide variant.
Coding change: c.4108C>G on transcript NM_000081.4 (MANE Select); coding-DNA position 4108, C replaced by G.
Protein change: p.Pro1370Ala; replaces proline 1370 with alanine.
Molecular consequence: missense variant.
Genome position (GRCh38, 1-based): chr1:235,793,511, G>C on the plus strand (C>G on the coding strand, the complement: LYST is on the minus strand). VCF-style: chr1-235793511-G-C. GRCh37 (hg19) VCF-style: chr1-235956811-G-C.
Other names: p.Pro1370Ala; c.4108C>G, p.Pro1370Ala (NM_001301365.1); c.4108C>G (NM_000081.2); short protein forms P1370A.
Identifiers: ClinVar variation 574882 (VCV000574882.9), dbSNP rs867235828, ClinGen allele CA39628883.